The following is an entry in ClinVar:

ClinVar aggregate classification (germline): Pathogenic (1 of 4 stars; one submission).

Conditions:
Gorlin syndrome. Also called: Nevoid Basal Cell Carcinoma Syndrome; Basal cell nevus syndrome. Identifiers: Orphanet 377, MedGen C0004779, MONDO:0007187.

Submission:

Labcorp Genetics (formerly Invitae), Labcorp
Classification: Pathogenic for Gorlin syndrome. Last evaluated: 2025-11-03. Review status: criteria provided, single submitter. Criteria: Invitae Variant Classification Sherloc (09022015). Collection method: clinical testing. Allele origin: germline.
Comment: This sequence change creates a premature translational stop signal (p.Tyr215*) in the PTCH1 gene. It is expected to result in an absent or disrupted protein product. Loss-of-function variants in PTCH1 are known to be pathogenic (PMID: 16301862, 16419085). This variant is not present in population databases (gnomAD no frequency). This variant has not been reported in the literature in individuals affected with PTCH1-related conditions. ClinVar contains an entry for this variant (Variation ID: 3727203). Algorithms developed to predict the effect of sequence changes on RNA splicing suggest that this variant may disrupt the consensus splice site. For these reasons, this variant has been classified as Pathogenic.

Literature cited by the submitters: PubMed 16301862; PubMed 16419085.

NM_000264.5(PTCH1):c.645C>G (p.Tyr215Ter)

Gene: PTCH1 (patched 1; minus strand). Cytogenetic location: 9q22.32.
Variant type: single nucleotide variant.
Coding change: c.645C>G on transcript NM_000264.5 (MANE Select); coding-DNA position 645, C replaced by G.
Protein change: p.Tyr215Ter; replaces tyrosine 215 with a stop codon.
Molecular consequence: nonsense. On other transcripts: non-coding transcript variant (1).
Genome position (GRCh38, 1-based): chr9:95,482,143, G>C on the plus strand (C>G on the coding strand, the complement: PTCH1 is on the minus strand). VCF-style: chr9-95482143-G-C. GRCh37 (hg19) VCF-style: chr9-98244425-G-C.
Other names: c.447C>G, p.Tyr149Ter (NM_001083602.3, NM_001354919.2); c.642C>G, p.Tyr214Ter (NM_001083603.3); c.192C>G, p.Tyr64Ter (NM_001083604.3, NM_001083605.3, NM_001083606.3 and 1 more transcripts); c.645C>G, p.Tyr215Ter (NM_001354918.2); short protein forms Y149*, Y214*, Y64*, Y215*.
Identifiers: ClinVar variation 3727203 (VCV003727203.2).